The following is an entry in ClinVar:

ClinVar aggregate classification (germline): Uncertain significance (1 of 4 stars; one submission).

Conditions:
Intellectual developmental disorder, autosomal recessive 75, with neuropsychiatric features and variant lissencephaly (MRT75). Identifiers: MedGen C5676961, MONDO:0030785, OMIM 619827.

Allele frequency attached by ClinVar (database versions not stated): gnomAD exomes below 0.00001; gnomAD 0.00001.
gnomAD v4.1: 3 of 1,612,562 alleles (0.00019%); highest among the groups gnomAD compares: Admixed American, 0.005%; no homozygotes.

Submission:

Clinical Genomics Laboratory, Washington University in St. Louis
Classification: Uncertain significance for Intellectual developmental disorder, autosomal recessive 75, with neuropsychiatric features and variant lissencephaly. Last evaluated: 2023-11-21. Review status: criteria provided, single submitter. Criteria: ACMG Guidelines, 2015. Collection method: clinical testing. Allele origin: germline.
Comment: The PIDD1 c.76G>A (p.Gly26Arg) variant, to our knowledge, has not been reported in the medical literature. This variant is only observed on 3 out of 278,172 alleles in the general population (gnomAD v.2.1.1), indicating it is not a common variant. Computational predictors suggest that the variant does not impact PIDD1 function. Due to limited information, and based on ACMG/AMP guidelines for variant interpretation (Richards S et al., PMID: 25741868), the clinical significance of this variant is uncertain at this time.

NM_145886.4(PIDD1):c.76G>A (p.Gly26Arg)

Gene: PIDD1 (p53-induced death domain protein 1; minus strand). Cytogenetic location: 11p15.5.
Variant type: single nucleotide variant.
Coding change: c.76G>A on transcript NM_145886.4 (MANE Select); coding-DNA position 76, G replaced by A.
Protein change: p.Gly26Arg; replaces glycine 26 with arginine.
Molecular consequence: missense variant.
Genome position (GRCh38, 1-based): chr11:804,313, C>T on the plus strand (G>A on the coding strand, the complement: PIDD1 is on the minus strand). VCF-style: chr11-804313-C-T. GRCh37 (hg19) VCF-style: chr11-804313-C-T.
Other names: c.76G>A, p.Gly26Arg (NM_145887.4); short protein forms G26R.
Identifiers: ClinVar variation 3236567 (VCV003236567.1), dbSNP rs1317011676, ClinGen allele CA378964904.